The following is an entry in ClinVar:

NM_001318734.2(KLC2):c.1308C>T (p.Ser436=)

Genes: KLC2 (kinesin light chain 2; plus strand), KLC2-AS1 (KLC2 antisense RNA 1; minus strand). Cytogenetic location: 11q13.2.
Variant type: single nucleotide variant.
Coding change: c.1308C>T on transcript NM_001318734.2 (MANE Select); coding-DNA position 1308, C replaced by T.
Protein change: p.Ser436=; no amino-acid change (serine 436 retained).
Molecular consequence: synonymous variant.
Genome position (GRCh38, 1-based): chr11:66,265,209, C>T. VCF-style: chr11-66265209-C-T. GRCh37 (hg19) VCF-style: chr11-66032680-C-T.
Other names: c.1077C>T, p.Ser359= (NM_001134774.2); c.1308C>T, p.Ser436= (NM_001134775.2, NM_001134776.2, NM_022822.3).
Identifiers: ClinVar variation 774626 (VCV000774626.38), dbSNP rs147513948, ClinGen allele CA6117390.

ClinVar aggregate classification (germline): Benign/Likely benign. Review status: criteria provided, multiple submitters, no conflicts (2 of 4 stars). 4 submissions from 4 submitters: Benign (2); Likely benign (2). Last evaluated 2026-08-01.

Allele frequency attached by ClinVar (database versions not stated): 1000 Genomes Project 30x 0.00078; 1000 Genomes Project 0.00080; TOPMed 0.00199; gnomAD 0.00260 and 0.00261; ESP Exome Variant Server 0.00277; gnomAD exomes 0.00283 and 0.00391; ExAC 0.00287.
gnomAD v4.1: 5,675 of 1,514,820 alleles (0.37%); highest among the groups gnomAD compares: Middle Eastern, 0.77%; 20 homozygotes.

Submissions (4):

CeGaT Center for Human Genetics Tuebingen
Classification: Likely benign. Last evaluated: 2026-08-01. Review status: criteria provided, single submitter. Criteria: CeGaT Center For Human Genetics Tuebingen Variant Classification Criteria Version 2. Collection method: clinical testing. Allele origin: germline. Affected: yes. Observed: 8 variant alleles.
Comment: KLC2: BP4, BP7, BS2

Labcorp Genetics (formerly Invitae), Labcorp
Classification: Benign. Last evaluated: 2026-01-19. Review status: criteria provided, single submitter. Criteria: Invitae Variant Classification Sherloc (09022015). Collection method: clinical testing. Allele origin: germline.

Blueprint Genetics
Classification: Likely benign. Last evaluated: 2024-11-18. Review status: criteria provided, single submitter. Criteria: ACMG Guidelines, 2015. Collection method: clinical testing. Allele origin: germline.

Breakthrough Genomics
Classification: Benign. Review status: criteria provided, single submitter. Criteria: ACMG Guidelines, 2015. Collection method: not provided. Allele origin: germline. Inheritance: Autosomal recessive inheritance. Affected: yes.